The following is an entry in ClinVar:

NM_017882.3(CLN6):c.493T>C (p.Ser165Pro)

Gene: CLN6 (CLN6 transmembrane ER protein; minus strand). Cytogenetic location: 15q23.
Variant type: single nucleotide variant.
Coding change: c.493T>C on transcript NM_017882.3 (MANE Select); coding-DNA position 493, T replaced by C.
Protein change: p.Ser165Pro; replaces serine 165 with proline.
Molecular consequence: missense variant.
Genome position (GRCh38, 1-based): chr15:68,211,312, A>G on the plus strand (T>C on the coding strand, the complement: CLN6 is on the minus strand). VCF-style: chr15-68211312-A-G. GRCh37 (hg19) VCF-style: chr15-68503650-A-G.
Other names: c.589T>C, p.Ser197Pro (NM_001411068.1); short protein forms S165P, S197P.
Identifiers: ClinVar variation 2059179 (VCV002059179.2), dbSNP rs2093204374, ClinGen allele CA392973223.

ClinVar aggregate classification (germline): Uncertain significance (1 of 4 stars; one submission).

Conditions:
Neuronal ceroid lipofuscinosis. Also called: Neuronal Ceroid Lipofuscinoses. Identifiers: Orphanet 216, Orphanet 79263, MedGen C0027877, MONDO:0016295. Disease mechanism: loss of function.

Allele frequency attached by ClinVar (database versions not stated): TOPMed below 0.00001.

Submission:

Labcorp Genetics (formerly Invitae), Labcorp
Classification: Uncertain significance for Neuronal ceroid lipofuscinosis. Last evaluated: 2022-08-06. Review status: criteria provided, single submitter. Criteria: Invitae Variant Classification Sherloc (09022015). Collection method: clinical testing. Allele origin: germline.
Comment: In summary, the available evidence is currently insufficient to determine the role of this variant in disease. Therefore, it has been classified as a Variant of Uncertain Significance. Algorithms developed to predict the effect of missense changes on protein structure and function (SIFT, PolyPhen-2, Align-GVGD) all suggest that this variant is likely to be tolerated. This variant has not been reported in the literature in individuals affected with CLN6-related conditions. This variant is not present in population databases (gnomAD no frequency). This sequence change replaces serine, which is neutral and polar, with proline, which is neutral and non-polar, at codon 165 of the CLN6 protein (p.Ser165Pro).